The following is an entry in ClinVar:

NM_004046.6(ATP5F1A):c.948A>T (p.Lys316Asn)

Gene: ATP5F1A (ATP synthase F1 subunit alpha; minus strand). Cytogenetic location: 18q21.1.
Variant type: single nucleotide variant.
Coding change: c.948A>T on transcript NM_004046.6 (MANE Select); coding-DNA position 948, A replaced by T.
Protein change: p.Lys316Asn; replaces lysine 316 with asparagine.
Molecular consequence: missense variant.
Genome position (GRCh38, 1-based): chr18:46,087,344, T>A on the plus strand (A>T on the coding strand, the complement: ATP5F1A is on the minus strand). VCF-style: chr18-46087344-T-A. GRCh37 (hg19) VCF-style: chr18-43667310-T-A.
Other names: c.798A>T, p.Lys266Asn (NM_001001935.3, NM_001257335.2); c.948A>T, p.Lys316Asn (NM_001001937.2); c.882A>T, p.Lys294Asn (NM_001257334.2); short protein forms K266N, K294N, K316N.
Identifiers: ClinVar variation 4278679 (VCV004278679.1).

ClinVar aggregate classification (germline): Uncertain significance (1 of 4 stars; one submission).

Submission:

GeneDx
Classification: Uncertain significance. Last evaluated: 2025-03-30. Review status: criteria provided, single submitter. Criteria: GeneDx Variant Classification Process June 2021. Collection method: clinical testing. Allele origin: germline. Affected: yes.
Comment: Not observed at significant frequency in large population cohorts (gnomAD); In silico analysis supports that this missense variant has a deleterious effect on protein structure/function; Has not been previously published as pathogenic or benign to our knowledge